The following is an entry in ClinVar:

NM_020745.4(AARS2):c.2598+157C>T

Gene: AARS2 (alanyl-tRNA synthetase 2, mitochondrial; minus strand). Cytogenetic location: 6p21.1.
Variant type: single nucleotide variant.
Coding change: c.2598+157C>T on transcript NM_020745.4 (MANE Select); 157 bases into the intron after coding-DNA position 2598, C replaced by T.
Molecular consequence: intron variant.
Genome position (GRCh38, 1-based): chr6:44,301,903, G>A on the plus strand (C>T on the coding strand, the complement: AARS2 is on the minus strand). VCF-style: chr6-44301903-G-A. GRCh37 (hg19) VCF-style: chr6-44269640-G-A.
Other names: NC_000006.11:g.44269640G>A.
Identifiers: ClinVar variation 682696 (VCV000682696.2), dbSNP rs325006, ClinGen allele CA12353123.

ClinVar aggregate classification (germline): Benign (1 of 4 stars; one submission).

Allele frequency attached by ClinVar (database versions not stated): 1000 Genomes Project 30x 0.86665; gnomAD 0.88066 and 0.88630; 1000 Genomes Project 0.87181; TOPMed 0.87293.
gnomAD v4.1: 134,959 of 152,142 alleles (89%); highest among the groups gnomAD compares: East Asian, 100%; 61,141 homozygotes.

Submissions (8):

GeneDx
Classification: Benign. Last evaluated: 2018-06-14. Review status: criteria provided, single submitter. Criteria: GeneDx Variant Classification (06012015). Collection method: clinical testing. Allele origin: germline. Affected: yes.
Comment: This variant is considered likely benign or benign based on one or more of the following criteria: it is a conservative change, it occurs at a poorly conserved position in the protein, it is predicted to be benign by multiple in silico algorithms, and/or has population frequency not consistent with disease.

Dr. Peter K. Rogan Lab, Western University
No classification provided (evidence only). Condition: Malignant lymphoma, large B-cell, diffuse. Review status: no classification provided. Collection method: in vitro. Allele origin: not applicable. Functional consequence: retained intron. Not counted in ClinVar's aggregate classification.

Dr. Peter K. Rogan Lab, Western University
No classification provided (evidence only). Condition: Malignant lymphoma, large B-cell, diffuse. Review status: no classification provided. Collection method: in vitro. Allele origin: not applicable. Functional consequence: retained intron. Not counted in ClinVar's aggregate classification.

Dr. Peter K. Rogan Lab, Western University
No classification provided (evidence only). Condition: Malignant lymphoma, large B-cell, diffuse. Review status: no classification provided. Collection method: in vitro. Allele origin: not applicable. Functional consequence: retained intron. Not counted in ClinVar's aggregate classification.

Dr. Peter K. Rogan Lab, Western University
No classification provided (evidence only). Condition: Malignant lymphoma, large B-cell, diffuse. Review status: no classification provided. Collection method: in vitro. Allele origin: not applicable. Functional consequence: retained intron. Not counted in ClinVar's aggregate classification.

Dr. Peter K. Rogan Lab, Western University
No classification provided (evidence only). Condition: Malignant lymphoma, large B-cell, diffuse. Review status: no classification provided. Collection method: in vitro. Allele origin: not applicable. Functional consequence: retained intron. Not counted in ClinVar's aggregate classification.

Dr. Peter K. Rogan Lab, Western University
No classification provided (evidence only). Condition: Malignant lymphoma, large B-cell, diffuse. Review status: no classification provided. Collection method: in vitro. Allele origin: not applicable. Functional consequence: retained intron. Not counted in ClinVar's aggregate classification.

Dr. Peter K. Rogan Lab, Western University
No classification provided (evidence only). Condition: Hepatocellular carcinoma. Review status: no classification provided. Collection method: in vitro. Allele origin: not applicable. Functional consequence: retained intron. Not counted in ClinVar's aggregate classification.